The following is an entry in ClinVar:

ClinVar aggregate classification (germline): Uncertain significance (1 of 4 stars; one submission).

Conditions:
Acromesomelic dysplasia 1, Maroteaux type (AMD1). Also called: ACROMESOMELIC DYSPLASIA 1; ST. HELENA DYSPLASIA. Identifiers: Orphanet 40, MedGen C1864356, MONDO:0011275, OMIM 602875.
Tall stature-scoliosis-macrodactyly of the great toes syndrome. Also called: Epiphyseal chondrodysplasia, miura type. Identifiers: Orphanet 329191, MedGen C4014690, MONDO:0014401, OMIM 615923.

Allele frequency attached by ClinVar (database versions not stated): gnomAD exomes 0.00001; ExAC 0.00002.

Submission:

Labcorp Genetics (formerly Invitae), Labcorp
Classification: Uncertain significance for Tall stature-scoliosis-macrodactyly of the great toes syndrome; Acromesomelic dysplasia 1, Maroteaux type. Last evaluated: 2024-07-08. Review status: criteria provided, single submitter. Criteria: Invitae Variant Classification Sherloc (09022015). Collection method: clinical testing. Allele origin: germline.
Comment: This sequence change replaces arginine, which is basic and polar, with tryptophan, which is neutral and slightly polar, at codon 218 of the NPR2 protein (p.Arg218Trp). This variant is present in population databases (rs746376766, gnomAD 0.003%). This variant has not been reported in the literature in individuals affected with NPR2-related conditions. ClinVar contains an entry for this variant (Variation ID: 1037301). Advanced modeling of protein sequence and biophysical properties (such as structural, functional, and spatial information, amino acid conservation, physicochemical variation, residue mobility, and thermodynamic stability) performed at Invitae indicates that this missense variant is not expected to disrupt NPR2 protein function with a negative predictive value of 80%. In summary, the available evidence is currently insufficient to determine the role of this variant in disease. Therefore, it has been classified as a Variant of Uncertain Significance.

NM_003995.4(NPR2):c.652C>T (p.Arg218Trp)

Gene: NPR2 (natriuretic peptide receptor 2; plus strand). Cytogenetic location: 9p13.3.
Variant type: single nucleotide variant.
Coding change: c.652C>T on transcript NM_003995.4 (MANE Select); coding-DNA position 652, C replaced by T.
Protein change: p.Arg218Trp; replaces arginine 218 with tryptophan.
Molecular consequence: missense variant.
Genome position (GRCh38, 1-based): chr9:35,793,060, C>T. VCF-style: chr9-35793060-C-T. GRCh37 (hg19) VCF-style: chr9-35793057-C-T.
Other names: c.652C>T, p.Arg218Trp (NM_001378923.1); short protein forms R218W.
Identifiers: ClinVar variation 1037301 (VCV001037301.9), dbSNP rs746376766, ClinGen allele CA5051480.